The following is an entry in ClinVar:

ClinVar aggregate classification (germline): Likely benign (0 of 4 stars; one submission).

Conditions:
ZFHX4-related disorder. Also called: ZFHX4-related condition.

Allele frequency attached by ClinVar (database versions not stated): gnomAD exomes 0.00001; ExAC 0.00003; gnomAD 0.00006; TOPMed 0.00007.
gnomAD v4.1: 25 of 1,600,356 alleles (0.0016%); highest among the groups gnomAD compares: Admixed American, 0.037%; no homozygotes.

Submission:

PreventionGenetics, part of Exact Sciences
Classification: Likely benign for ZFHX4-related condition. Last evaluated: 2019-03-20. Review status: no assertion criteria provided. Collection method: clinical testing. Allele origin: germline.
Comment: This variant is classified as likely benign based on ACMG/AMP sequence variant interpretation guidelines (Richards et al. 2015 PMID: 25741868, with internal and published modifications).

NM_024721.5(ZFHX4):c.3964+6C>A

Gene: ZFHX4 (zinc finger homeobox 4; plus strand). Cytogenetic location: 8q21.13.
Variant type: single nucleotide variant.
Coding change: c.3964+6C>A on transcript NM_024721.5 (MANE Select); 6 bases into the intron after coding-DNA position 3964, C replaced by A.
Molecular consequence: intron variant.
Genome position (GRCh38, 1-based): chr8:76,850,368, C>A. VCF-style: chr8-76850368-C-A. GRCh37 (hg19) VCF-style: chr8-77762604-C-A.
Other names: c.3886+6C>A (NM_001410934.1).
Identifiers: ClinVar variation 3043459 (VCV003043459.2), dbSNP rs751120939, ClinGen allele CA4787409.